The following is an entry in ClinVar:

ClinVar aggregate classification (germline): Pathogenic/Likely pathogenic. Review status: criteria provided, multiple submitters, no conflicts (2 of 4 stars). 11 submissions from 10 submitters: Pathogenic (8); Likely pathogenic (1). 2 of the submissions do not count toward it. Last evaluated 2025-12-29.

Conditions:
SPTA1-related disorder. Also called: SPTA1-related disorders; SPTA1-related condition.
Pyropoikilocytosis, hereditary. Also called: Pyropoikilocytosis. Identifiers: MedGen C0520739, MONDO:0009948, OMIM 266140, HP:0004839. Disease mechanism: loss of function.
Elliptocytosis 2 (EL2). Also called: ELLIPTOCYTOSIS, RHESUS-UNLINKED TYPE. Identifiers: Orphanet 288, MedGen C1851741, MONDO:0007533, OMIM 130600.

Allele frequency attached by ClinVar (database versions not stated): TOPMed below 0.00001; gnomAD 0.00001.
gnomAD v4.1: 4 of 1,613,680 alleles (0.00025%); highest among the groups gnomAD compares: African/African-American, 0.0013%; no homozygotes.

Submissions (11):

Labcorp Genetics (formerly Invitae), Labcorp
Classification: Pathogenic. Last evaluated: 2025-12-29. Review status: criteria provided, single submitter. Criteria: Invitae Variant Classification Sherloc (09022015). Collection method: clinical testing. Allele origin: germline.
Comment: This sequence change replaces arginine, which is basic and polar, with cysteine, which is neutral and slightly polar, at codon 28 of the SPTA1 protein (p.Arg28Cys). This variant is not present in population databases (gnomAD no frequency). This missense change has been observed in individual(s) with autosomal dominant elliptocytosis and/or autosomal recessive hereditary pyropoikilocytosis (PMID: 1679439, 28090778, 29729090, 31286676). It has also been observed to segregate with disease in related individuals. ClinVar contains an entry for this variant (Variation ID: 12855). Invitae Evidence Modeling of protein sequence and biophysical properties (such as structural, functional, and spatial information, amino acid conservation, physicochemical variation, residue mobility, and thermodynamic stability) has been performed for this missense variant. However, the output from this modeling did not meet the statistical confidence thresholds required to predict the impact of this variant on SPTA1 protein function. Experimental studies have shown that this missense change affects SPTA1 function (PMID: 18218854). This variant disrupts the p.Arg28 amino acid residue in SPTA1. Other variant(s) that disrupt this residue have been observed in individuals with SPTA1-related conditions (PMID: 30317022), which suggests that this may be a clinically significant amino acid residue. For these reasons, this variant has been classified as Pathogenic.

GeneDx
Classification: Pathogenic. Last evaluated: 2025-11-02. Review status: criteria provided, single submitter. Criteria: GeneDx Variant Classification Process June 2021. Collection method: clinical testing. Allele origin: germline.
Comment: Published functional characterization of protein harboring the R28C variant indicate no detectable binding affinity to the beta subunit, thus abolishing tetramer formation (PMID: 18218854); Not observed at significant frequency in large population cohorts (gnomAD); In silico analysis supports that this missense variant has a deleterious effect on protein structure/function; This variant is associated with the following publications: (PMID: 7074218, 8435324, 28090778, 31286676, 30317022, 35961434, 29729090, 1679439, 18218854, 39502561)

Variantyx, Inc.
Classification: Likely pathogenic for Elliptocytosis 2. Last evaluated: 2025-03-13. Review status: criteria provided, single submitter. Criteria: Variantyx Assertion Criteria 2022. Collection method: clinical testing. Allele origin: paternal.
Comment: This is a nonsynonymous variant in the SPTA1 gene (OMIM: 182860). Pathogenic variants in this gene have been associated with autosomal dominant elliptocytosis 2. This variant has been reported in several unrelated affected individuals (PMID: 1679439, 31286676) (PS4). This variant has been observed to segregate with disease in at least 7 individuals from 3 families (PMID: 1679439, 31286676) (PP1_Moderate). Alternate amino acid change(s) at this position (p. Arg28His) have been previously reported in similarly affected individuals, which suggests that this residue is biologically important (PMID: 1679439, 2328319) (PM5). This variant has a 0.0013% maximum allele frequency in non-founder control populations (PM2_Supporting). Computational algorithms produce conflicting evidence regarding the predicted functional impact of this variant (REVEL score: 0.418). Based on the current evidence, this variant is classified as likely pathogenic for autosomal dominant elliptocytosis 2.

Revvity Omics, Revvity
Classification: Pathogenic. Last evaluated: 2024-10-09. Review status: criteria provided, single submitter. Criteria: ACMG Guidelines, 2015. Collection method: clinical testing. Allele origin: germline.

New York Genome Center
Classification: Pathogenic for Elliptocytosis 2. Last evaluated: 2024-03-13. Review status: criteria provided, single submitter. Criteria: NYGC Assertion Criteria 2020. Collection method: clinical testing. Allele origin: inherited. Observed: 1 variant allele, 1 heterozygote.
Comment: The inherited c.82C>T p.(Arg28Cys) variant identified in the SPTA1 gene substitutes a well conserved arginine for cystine in exon 2 of this 52-exon gene. This variant is observed on 4 alleles in the gnomAD v4.0.0 population database (minor allele frequency 2.5x10-6), demonstrating that this is not a common benign variant in the populations represented by that database. This variant has been deposited in ClinVar as Pathogenic by 9 submitting labs with no conflicts [ClinVar ID= 12855]. This variant has been reported in the literature in multiple unrelated families with multiple affected individuals segregating for autosomal dominant hereditary elliptocytosis [PMID: 1679439, 31286676 35961434]. Multiple other substitutions of this p.Arg28 residue have been identified in individuals with hereditary elliptocytosis and are also classified as pathogenic p.(Arg28His) [PMID: 31723846, 36278520], p.(Arg28Leu) [PMID:1679439], and p.(Arg28Ser) [PMID:1679439, 33620149 ]. Functional assessment of 14 different SPTA1 variants expressed as purified protein demonstrated that protein containing the p.Arg28Cys substitution had no ability to bind beta-spectrin and so was unable to form tetramers, suggesting a total loss of function [PMID:18218854]. Based on available evidence, this heterozygous inherited c.82C>T p.(Arg28Cys) variant identified in the SPTA1 gene is classified as Pathogenic.

Mayo Clinic Laboratories, Mayo Clinic
Classification: Pathogenic. Last evaluated: 2022-06-21. Review status: criteria provided, single submitter. Criteria: ACMG Guidelines, 2015. Collection method: clinical testing. Allele origin: germline. Observed: 5 variant alleles.
Comment: PM2, PM1, PP3, PM3, PP1, PS3

CeGaT Center for Human Genetics Tuebingen
Classification: Pathogenic. Last evaluated: 2021-10-01. Review status: criteria provided, single submitter. Criteria: CeGaT Center For Human Genetics Tuebingen Variant Classification Criteria Version 2. Collection method: clinical testing. Allele origin: germline. Affected: yes. Observed: 1 variant allele.

ARUP Laboratories, Molecular Genetics and Genomics, ARUP Laboratories
Classification: Pathogenic. Last evaluated: 2021-08-04. Review status: criteria provided, single submitter. Criteria: ARUP Molecular Germline Variant Investigation Process 2021. Collection method: clinical testing. Allele origin: germline.

Rady Children's Institute for Genomic Medicine, Rady Children's Hospital San Diego
Classification: Pathogenic for SPTA1-related disorders. Review status: criteria provided, single submitter. Criteria: ACMG Guidelines, 2015. Collection method: clinical testing. Allele origin: germline. Affected: yes.
Comment: This variant has been previously reported as a heterozygous change in patients with elliptocytosis, anemia, and hyperbilirubinemia (PMID: 1679439, 8435324, 31286676). The c.82C>T (p.Arg28Cys) variant is located in a mutational hotspot for pathogenic variations associated with elliptocytosis (PMID:2328319). Different amino acid changes at the same residue (p.Arg28His, p.Arg28Leu, p.Arg28Ser) have been previously reported in individuals with elliptocytosis (PMID: 1878597). In-vitro studies showed that this alteration leads to abnormal protein function (PMID: 18218854). The c.82C>T (p.Arg28Cys) variant is absent from the gnomAD population database and thus is presumed to be rare. The c.82C>T (p.Arg28Cys) variant affects a highly conserved amino acid and is predicted by multiple in silico tools to have a deleterious effect on protein function. Based on the available evidence, the c.82C>T (p.Arg28Cys) variant is classified as Pathogenic.

OMIM
Classification: Pathogenic for ELLIPTOCYTOSIS 2. Last evaluated: 1993-01-01. Review status: no assertion criteria provided. Collection method: literature only. Allele origin: germline. Not counted in ClinVar's aggregate classification.

OMIM
Classification: Pathogenic for PYROPOIKILOCYTOSIS, HEREDITARY. Last evaluated: 1993-01-01. Review status: no assertion criteria provided. Collection method: literature only. Allele origin: germline. Not counted in ClinVar's aggregate classification.

Literature cited by the submitters: PubMed 1679439 (cited by Labcorp Genetics (formerly Invitae), Labcorp and New York Genome Center); PubMed 28090778 (cited by Labcorp Genetics (formerly Invitae), Labcorp); PubMed 29729090 (cited by Labcorp Genetics (formerly Invitae), Labcorp); PubMed 31286676 (cited by Labcorp Genetics (formerly Invitae), Labcorp and New York Genome Center); PubMed 18218854 (cited by Labcorp Genetics (formerly Invitae), Labcorp); PubMed 30317022 (cited by Labcorp Genetics (formerly Invitae), Labcorp); PubMed 35961434 (cited by New York Genome Center); PubMed 7074218 (cited by OMIM); PubMed 8435324 (cited by OMIM).

NM_003126.4(SPTA1):c.82C>T (p.Arg28Cys)

Gene: SPTA1 (spectrin alpha, erythrocytic 1; minus strand). Cytogenetic location: 1q23.1.
Variant type: single nucleotide variant.
Coding change: c.82C>T on transcript NM_003126.4 (MANE Select); coding-DNA position 82, C replaced by T.
Protein change: p.Arg28Cys; replaces arginine 28 with cysteine.
Molecular consequence: missense variant.
Genome position (GRCh38, 1-based): chr1:158,685,290, G>A on the plus strand (C>T on the coding strand, the complement: SPTA1 is on the minus strand). VCF-style: chr1-158685290-G-A. GRCh37 (hg19) VCF-style: chr1-158655080-G-A.
Other names: c.82C>T (NM_003126.3); short protein forms R28C.
Identifiers: ClinVar variation 12855 (VCV000012855.58), dbSNP rs121918642, ClinGen allele CA122758.